The following is an entry in ClinVar:

ClinVar aggregate classification (germline): Pathogenic (1 of 4 stars; one submission).

Submission:

GeneDx
Classification: Pathogenic. Last evaluated: 2024-06-23. Review status: criteria provided, single submitter. Criteria: GeneDx Variant Classification Process June 2021. Collection method: clinical testing. Allele origin: germline. Affected: yes.
Comment: Nonsense variant predicted to result in protein truncation or nonsense mediated decay in a gene for which loss of function is a known mechanism of disease; Not observed at significant frequency in large population cohorts (gnomAD); This variant is associated with the following publications: (PMID: 31030434)

NM_001278116.2(L1CAM):c.512G>A (p.Trp171Ter)

Gene: L1CAM (L1 cell adhesion molecule; minus strand). Cytogenetic location: Xq28.
Variant type: single nucleotide variant.
Coding change: c.512G>A on transcript NM_001278116.2 (MANE Select); coding-DNA position 512, G replaced by A.
Protein change: p.Trp171Ter; replaces tryptophan 171 with a stop codon.
Molecular consequence: nonsense.
Genome position (GRCh38, 1-based): chrX:153,871,068, C>T on the plus strand (G>A on the coding strand, the complement: L1CAM is on the minus strand). VCF-style: chrX-153871068-C-T. GRCh37 (hg19) VCF-style: chrX-153136523-C-T.
Other names: c.512G>A, p.Trp171Ter (NM_000425.5, NM_024003.3); c.497G>A, p.Trp166Ter (NM_001143963.2); short protein forms W166*, W171*.
Identifiers: ClinVar variation 3392582 (VCV003392582.1).